The following is an entry in ClinVar:

ClinVar aggregate classification (germline): Uncertain significance (1 of 4 stars; one submission).

Conditions:
Hermansky-Pudlak syndrome 2 (HPS2). Also called: Platelet defects and oculocutaneous albinism. Identifiers: Orphanet 183678, Orphanet 79430, MedGen C1842362, MONDO:0011997, OMIM 608233.

Allele frequency attached by ClinVar (database versions not stated): gnomAD exomes below 0.00001; TOPMed below 0.00001; ExAC 0.00001.
gnomAD v4.1: 3 of 1,611,660 alleles (0.00019%); highest among the groups gnomAD compares: Non-Finnish European, 0.00025%; no homozygotes.

Submission:

Labcorp Genetics (formerly Invitae), Labcorp
Classification: Uncertain significance for Hermansky-Pudlak syndrome 2. Last evaluated: 2023-09-23. Review status: criteria provided, single submitter. Criteria: Invitae Variant Classification Sherloc (09022015). Collection method: clinical testing. Allele origin: germline.
Comment: In summary, the available evidence is currently insufficient to determine the role of this variant in disease. Therefore, it has been classified as a Variant of Uncertain Significance. An algorithm developed to predict the effect of missense changes on protein structure and function (PolyPhen-2) suggests that this variant is likely to be disruptive. This variant has not been reported in the literature in individuals affected with AP3B1-related conditions. This variant is present in population databases (rs751046614, gnomAD 0.0009%). This sequence change replaces glutamine, which is neutral and polar, with glutamic acid, which is acidic and polar, at codon 110 of the AP3B1 protein (p.Gln110Glu).

NM_003664.5(AP3B1):c.328C>G (p.Gln110Glu)

Gene: AP3B1 (adaptor related protein complex 3 subunit beta 1; minus strand). Cytogenetic location: 5q14.1.
Variant type: single nucleotide variant.
Coding change: c.328C>G on transcript NM_003664.5 (MANE Select); coding-DNA position 328, C replaced by G.
Protein change: p.Gln110Glu; replaces glutamine 110 with glutamic acid.
Molecular consequence: missense variant.
Genome position (GRCh38, 1-based): chr5:78,228,191, G>C on the plus strand (C>G on the coding strand, the complement: AP3B1 is on the minus strand). VCF-style: chr5-78228191-G-C. GRCh37 (hg19) VCF-style: chr5-77524015-G-C.
Other names: c.181C>G, p.Gln61Glu (NM_001271769.2); c.328C>G, p.Gln110Glu (NM_001410752.1); short protein forms Q61E, Q110E.
Identifiers: ClinVar variation 2726846 (VCV002726846.3), dbSNP rs751046614, ClinGen allele CA3317391.